The following is an entry in ClinVar:

NM_000548.5(TSC2):c.3223A>C (p.Thr1075Pro)

Gene: TSC2 (TSC complex subunit 2; plus strand). Cytogenetic location: 16p13.3.
Variant type: single nucleotide variant.
Coding change: c.3223A>C on transcript NM_000548.5 (MANE Select); coding-DNA position 3223, A replaced by C.
Protein change: p.Thr1075Pro; replaces threonine 1075 with proline.
Molecular consequence: missense variant. On other transcripts: non-coding transcript variant (5).
Genome position (GRCh38, 1-based): chr16:2,079,367, A>C. VCF-style: chr16-2079367-A-C. GRCh37 (hg19) VCF-style: chr16-2129368-A-C.
Other names: c.3091A>C, p.Thr1031Pro (NM_001077183.3, NM_001370404.1, NM_001406665.1); c.3223A>C, p.Thr1075Pro (NM_001114382.3); c.2983A>C, p.Thr995Pro (NM_001318827.2); c.2947A>C, p.Thr983Pro (NM_001318829.2); c.2491A>C, p.Thr831Pro (NM_001318831.2, NM_001406687.1, NM_001406688.1); c.3124A>C, p.Thr1042Pro (NM_001318832.2); c.3094A>C, p.Thr1032Pro (NM_001363528.2, NM_001370405.1, NM_021055.3); c.3220A>C, p.Thr1074Pro (NM_001406663.1, NM_001406664.1); and 18 more; short protein forms T1012P, T1025P, T1026P, T1027P, T1028P, T1031P, T1032P, T1038P.
Identifiers: ClinVar variation 3073959 (VCV003073959.1), dbSNP rs768568810, ClinGen allele CA394285967.

ClinVar aggregate classification (germline): Uncertain significance (1 of 4 stars; one submission).

Conditions:
Tuberous sclerosis syndrome (TSC). Also called: Tuberous Sclerosis Complex; Tuberous sclerosis. Identifiers: Orphanet 805, MedGen C0041341, MONDO:0001734.

Submission:

All of Us Research Program, National Institutes of Health
Classification: Uncertain significance for Tuberous sclerosis syndrome. Last evaluated: 2023-11-30. Review status: criteria provided, single submitter. Criteria: ACMG Guidelines, 2015. Collection method: clinical testing. Allele origin: germline. Inheritance: Autosomal dominant inheritance. Observed: 1 variant allele, 1 heterozygote.
Comment: This study involves interpretation of variants in research participants for the purpose of population health screening. Participant phenotype was not available at the time of variant classification. Additional details can be found in publication PMID: 35346344, PMCID: PMC8962531